The following is an entry in ClinVar:

ClinVar aggregate classification (germline): Likely benign. Review status: criteria provided, multiple submitters, no conflicts (2 of 4 stars). 3 submissions from 3 submitters: Likely benign (3). Last evaluated 2024-06-04.

Conditions:
Hypertrophic cardiomyopathy. Also called: HYPERTROPHIC MYOCARDIOPATHY. Identifiers: Orphanet 217569, MedGen C0007194, MeSH D002312, MONDO:0005045, HP:0001639.
Cardiomyopathy (CMYO). Also called: Cardiomyopathies. Identifiers: Orphanet 167848, MedGen C0878544, MONDO:0004994, HP:0001638. Inheritance: Various modes of inheritance.

Allele frequency attached by ClinVar (database versions not stated): ExAC 0.00001; gnomAD 0.00001; gnomAD exomes 0.00001.
gnomAD v4.1: 12 of 1,613,886 alleles (0.00074%); highest among the groups gnomAD compares: South Asian, 0.0044%; no homozygotes.

Submissions (3):

Labcorp Genetics (formerly Invitae), Labcorp
Classification: Likely benign for Hypertrophic cardiomyopathy. Last evaluated: 2024-06-04. Review status: criteria provided, single submitter. Criteria: Invitae Variant Classification Sherloc (09022015). Collection method: clinical testing. Allele origin: germline.

All of Us Research Program, National Institutes of Health
Classification: Likely benign for Hypertrophic cardiomyopathy. Last evaluated: 2024-02-05. Review status: criteria provided, single submitter. Criteria: ACMG Guidelines, 2015. Collection method: clinical testing. Allele origin: germline. Inheritance: Autosomal dominant inheritance. Observed: 2 variant alleles, 2 heterozygotes.
Comment: This study involves interpretation of variants in research participants for the purpose of population health screening. Participant phenotype was not available at the time of variant classification. Additional details can be found in publication PMID: 35346344, PMCID: PMC8962531

Color Diagnostics, LLC DBA Color Health
Classification: Likely benign for Cardiomyopathy. Last evaluated: 2023-05-17. Review status: criteria provided, single submitter. Criteria: ACMG Guidelines, 2015. Collection method: clinical testing. Allele origin: germline.

NM_001018005.2(TPM1):c.603G>A (p.Thr201=)

Gene: TPM1 (tropomyosin 1; plus strand). Cytogenetic location: 15q22.2.
Variant type: single nucleotide variant.
Coding change: c.603G>A on transcript NM_001018005.2 (MANE Select); coding-DNA position 603, G replaced by A.
Protein change: p.Thr201=; no amino-acid change (threonine 201 retained).
Molecular consequence: synonymous variant. On other transcripts: intron variant (6).
Genome position (GRCh38, 1-based): chr15:63,061,752, G>A. VCF-style: chr15-63061752-G-A. GRCh37 (hg19) VCF-style: chr15-63353951-G-A.
Other names: c.603G>A, p.Thr201= (NM_001018004.2, NM_001018007.2, NM_001301244.2 and 3 more transcripts); c.495G>A, p.Thr165= (NM_001018008.2, NM_001301289.2, NM_001330346.2 and 2 more transcripts); c.729G>A, p.Thr243= (NM_001365778.1); c.640-463G>A (NM_001018020.2, NM_001018006.2, NM_000366.6); c.532-463G>A (NM_001330351.2, NM_001330344.2, NM_001365781.2).
Identifiers: ClinVar variation 3071415 (VCV003071415.4), dbSNP rs397516485, ClinGen allele CA018229.